The following is an entry in ClinVar:

ClinVar aggregate classification (germline): Conflicting classifications of pathogenicity. Review status: criteria provided, conflicting classifications (1 of 4 stars). 6 submissions from 6 submitters: Likely pathogenic (1); Uncertain significance (5). Last evaluated 2025-09-20.

Conditions:
Cardiovascular phenotype. Identifiers: MedGen CN230736.
Hereditary cancer-predisposing syndrome. Also called: Hereditary Cancer Syndrome; Hereditary neoplastic syndrome; Tumor predisposition; Neoplastic Syndromes, Hereditary. Identifiers: Orphanet 140162, MedGen C0027672, MeSH D009386, MONDO:0015356.
Noonan syndrome 2 (NS2). Identifiers: Orphanet 648, MedGen C1854469, MONDO:0011531, OMIM 605275.
LZTR1-related schwannomatosis. Also called: Schwannomatosis-2, susceptibility to; Schwannomatosis 2. Identifiers: Orphanet 93921, MedGen C3810283, MONDO:0014299, OMIM 615670.
Noonan syndrome 10 (NS10). Identifiers: Orphanet 648, MedGen C4225280, MONDO:0014693, OMIM 616564.

Allele frequency attached by ClinVar (database versions not stated): gnomAD 0.00001; ExAC 0.00002; gnomAD exomes 0.00002; TOPMed 0.00002.
gnomAD v4.1: 47 of 1,612,814 alleles (0.0029%); highest among the groups gnomAD compares: Non-Finnish European, 0.0036%; no homozygotes.

Submissions (6):

Labcorp Genetics (formerly Invitae), Labcorp
Classification: Uncertain significance. Last evaluated: 2025-09-20. Review status: criteria provided, single submitter. Criteria: Invitae Variant Classification Sherloc (09022015). Collection method: clinical testing. Allele origin: germline.
Comment: This sequence change replaces valine, which is neutral and non-polar, with methionine, which is neutral and non-polar, at codon 579 of the LZTR1 protein (p.Val579Met). This variant is present in population databases (rs765416902, gnomAD 0.006%). This missense change has been observed in individual(s) with clinical features of Noonan syndrome (PMID: 30859559, 31182298, 37010288). In at least one individual the data is consistent with being in trans (on the opposite chromosome) from a pathogenic variant. ClinVar contains an entry for this variant (Variation ID: 933189). Invitae Evidence Modeling of protein sequence and biophysical properties (such as structural, functional, and spatial information, amino acid conservation, physicochemical variation, residue mobility, and thermodynamic stability) indicates that this missense variant is not expected to disrupt LZTR1 protein function with a negative predictive value of 80%. In summary, the available evidence is currently insufficient to determine the role of this variant in disease. Therefore, it has been classified as a Variant of Uncertain Significance.

Ambry Genetics
Classification: Uncertain significance for Cardiovascular phenotype; Hereditary cancer-predisposing syndrome. Last evaluated: 2024-10-28. Review status: criteria provided, single submitter. Criteria: Ambry Variant Classification Scheme 2023. Collection method: clinical testing. Allele origin: germline.
Comment: The p.V579M variant (also known as c.1735G>A), located in coding exon 15 of the LZTR1 gene, results from a G to A substitution at nucleotide position 1735. The valine at codon 579 is replaced by methionine, an amino acid with highly similar properties. This alteration has been reported in the compound heterozygous state in multiple individuals with features consistent with autosomal recessive Noonan syndrome (Pagnamenta AT et al. Clin Genet. 2019 06;95:693-703; Perin F et al. Rev Esp Cardiol (Engl Ed). 2019 Nov;72:978-980; Wang S et al. ESC Heart Fail. 2024 Jul;:). This amino acid position is highly conserved in available vertebrate species. In addition, the in silico prediction for this alteration is inconclusive. Since supporting evidence is limited at this time, the clinical significance of this alteration remains unclear.

Blueprint Genetics
Classification: Uncertain significance. Last evaluated: 2024-08-23. Review status: criteria provided, single submitter. Criteria: ACMG Guidelines, 2015. Collection method: clinical testing. Allele origin: germline.

Clinical Genomics Laboratory, Stanford Medicine
Classification: Uncertain significance for LZTR1-related schwannomatosis; Noonan syndrome 10; Noonan syndrome 2. Last evaluated: 2022-04-18. Review status: criteria provided, single submitter. Criteria: ACMG Guidelines, 2015. Collection method: clinical testing. Allele origin: germline. Observed: 1 variant allele, 1 heterozygote.
Comment: The p.Val579Met variant in the LZTR1 gene has been previously reported in 2 compound heterozygous individuals, 1 individual with Noonan syndrome and 1 individual with nemaline myopathy and features of Noonan syndrome (Pagnamenta et al., 2019; Perin et al., 2019). This variant was determined to be in trans with a likely pathogenic variant (c.2070-2A>G) in an individual with Noonan syndrome, consistent with autosomal recessive inheritance (Perin et al., 2019). The presence of this variant with a likely disease-causing variant on the opposite allele increases suspicion for its pathogenicity. This variant has also been identified in 2/34,554 Latino/Admixed American chromosomes by the Genome Aggregation Database. Although this variant has been seen in the general population, its frequency is low enough to be consistent with a recessive carrier frequency. Computational tools predict that this variant is deleterious; however, the accuracy of in silico algorithms is limited. These data were assessed using the ACMG/AMP variant interpretation guidelines. In summary, the significance of the p.Val579Met variant is uncertain. Additional information is needed to resolve the significance of this variant. [ACMG evidence codes used: PM2; PM3; PP3]

Women's Health and Genetics/Laboratory Corporation of America, LabCorp
Classification: Uncertain significance. Last evaluated: 2021-06-14. Review status: criteria provided, single submitter. Criteria: LabCorp Variant Classification Summary - May 2015. Collection method: clinical testing. Allele origin: germline.
Comment: Variant summary: LZTR1 c.1735G>A (p.Val579Met) results in a conservative amino acid change in the encoded protein sequence. Four of five in-silico tools predict a damaging effect of the variant on protein function. The variant allele was found at a frequency of 2e-05 in 250222 control chromosomes. The available data on variant occurrences in the general population are insufficient to allow any conclusion about variant significance. c.1735G>A has been reported in the literature in individuals affected with Noonan syndrome (NS) (Perin_2019) and Nemaline Myopathy with NS-related features (Pagnamenta_2019). In patient with Nemaline myopathy, bialleleic variants in NEB has also been detected. In both the cases, the patients were compound heterozygous for this variant and another putative LOF variant in LZTR1. To our knowledge, the variant has not been reported in the literature with autosomal dominant inheritance. These data do not allow any conclusion about variant significance. To our knowledge, no experimental evidence demonstrating an impact on protein function has been reported. One clinical diagnostic laboratory has submitted clinical-significance assessments for this variant to ClinVar after 2014 and classified the variant as uncertain significance citing overlapping evidence utilized in the context of this evaluation. Based on the evidence outlined above, the variant was classified as uncertain significance.

Clinical Genetics Service, Universitary Hospital 12 de Octubre
Classification: Likely pathogenic for Noonan syndrome 2. Review status: criteria provided, single submitter. Criteria: ACMG Guidelines, 2015. Collection method: clinical testing. Allele origin: paternal. Affected: yes.

Literature cited by the submitters: PubMed 30859559 (cited by 4 submitters); PubMed 31182298 (cited by 4 submitters); PubMed 37010288 (cited by Labcorp Genetics (formerly Invitae), Labcorp); PubMed 38982897 (cited by Ambry Genetics).

NM_006767.4(LZTR1):c.1735G>A (p.Val579Met)

Gene: LZTR1 (leucine zipper like post translational regulator 1; plus strand). Cytogenetic location: 22q11.21.
Variant type: single nucleotide variant.
Coding change: c.1735G>A on transcript NM_006767.4 (MANE Select); coding-DNA position 1735, G replaced by A.
Protein change: p.Val579Met; replaces valine 579 with methionine.
Molecular consequence: missense variant.
Genome position (GRCh38, 1-based): chr22:20,994,677, G>A. VCF-style: chr22-20994677-G-A. GRCh37 (hg19) VCF-style: chr22-21348966-G-A.
Other names: short protein forms V579M.
Identifiers: ClinVar variation 933189 (VCV000933189.15), dbSNP rs765416902, ClinGen allele CA10119040.
Genomic context (GRCh38, chr22:20,994,677, plus strand): 5'-TTGTGCCGCCTGGAGCAGCTGTGCCGCCAGTACATCGAGGCCTCCGTGGACCTGCAGAAC[G>A]TGCTGGTTGTGTGCGAGAGTGCCGCCCGGCTGCAGCTGAGCCAACTCAAGGTGTGGGGTG-3'
Protein context (NP_006758.2, residues 569-589): YIEASVDLQN[Val579Met]LVVCESAARL